The following is an entry in ClinVar:

NM_015378.4(VPS13D):c.8782G>A (p.Gly2928Arg)

Gene: VPS13D (vacuolar protein sorting 13 homolog D; plus strand). Cytogenetic location: 1p36.22.
Variant type: single nucleotide variant.
Coding change: c.8782G>A on transcript NM_015378.4 (MANE Select); coding-DNA position 8782, G replaced by A.
Protein change: p.Gly2928Arg; replaces glycine 2928 with arginine.
Molecular consequence: missense variant.
Genome position (GRCh38, 1-based): chr1:12,342,948, G>A. VCF-style: chr1-12342948-G-A. GRCh37 (hg19) VCF-style: chr1-12403005-G-A.
Other names: c.8707G>A, p.Gly2903Arg (NM_018156.4); c.8782G>A (NM_015378.2); short protein forms G2928R, G2903R.
Identifiers: ClinVar variation 1510654 (VCV001510654.7), dbSNP rs145667055, ClinGen allele CA603250.

ClinVar aggregate classification (germline): Uncertain significance. Review status: criteria provided, multiple submitters, no conflicts (2 of 4 stars). 2 submissions from 2 submitters: Uncertain significance (2). Last evaluated 2025-10-22.

Conditions:
Inborn genetic diseases. Identifiers: MedGen C0950123, MeSH D030342.

Allele frequency attached by ClinVar (database versions not stated): ExAC 0.00004; gnomAD exomes 0.00004; gnomAD 0.00007 and 0.00009; TOPMed 0.00008; ESP Exome Variant Server 0.00015; 1000 Genomes Project 0.00020; 1000 Genomes Project 30x 0.00031.
gnomAD v4.1: 73 of 1,613,742 alleles (0.0045%); highest among the groups gnomAD compares: African/African-American, 0.0067%; no homozygotes.

Submissions (2):

Ambry Genetics
Classification: Uncertain significance for Inborn genetic diseases. Last evaluated: 2025-10-22. Review status: criteria provided, single submitter. Criteria: Ambry Variant Classification Scheme 2023. Collection method: clinical testing. Allele origin: germline.

Labcorp Genetics (formerly Invitae), Labcorp
Classification: Uncertain significance. Last evaluated: 2022-04-11. Review status: criteria provided, single submitter. Criteria: Invitae Variant Classification Sherloc (09022015). Collection method: clinical testing. Allele origin: germline.
Comment: This sequence change replaces glycine, which is neutral and non-polar, with arginine, which is basic and polar, at codon 2928 of the VPS13D protein (p.Gly2928Arg). This variant is present in population databases (rs145667055, gnomAD 0.01%). This variant has not been reported in the literature in individuals affected with VPS13D-related conditions. Algorithms developed to predict the effect of missense changes on protein structure and function output the following: SIFT: "Tolerated"; PolyPhen-2: "Benign"; Align-GVGD: "Class C0". The arginine amino acid residue is found in multiple mammalian species, which suggests that this missense change does not adversely affect protein function. In summary, the available evidence is currently insufficient to determine the role of this variant in disease. Therefore, it has been classified as a Variant of Uncertain Significance.